The following is an entry in ClinVar:

ClinVar aggregate classification (germline): Uncertain significance (1 of 4 stars; one submission).

Conditions:
Hereditary cancer-predisposing syndrome. Also called: Neoplastic Syndromes, Hereditary; Tumor predisposition; Hereditary neoplastic syndrome; Hereditary Cancer Syndrome. Identifiers: Orphanet 140162, MedGen C0027672, MeSH D009386, MONDO:0015356.

Submission:

Ambry Genetics
Classification: Uncertain significance for Hereditary cancer-predisposing syndrome. Last evaluated: 2023-10-06. Review status: criteria provided, single submitter. Criteria: Ambry Variant Classification Scheme 2023. Collection method: clinical testing. Allele origin: germline.
Comment: The p.M411L variant (also known as c.1231A>T), located in coding exon 8 of the FH gene, results from an A to T substitution at nucleotide position 1231. The methionine at codon 411 is replaced by leucine, an amino acid with highly similar properties. This amino acid position is conserved. In addition, the in silico prediction for this alteration is inconclusive. Since supporting evidence is limited at this time, the clinical significance of this alteration remains unclear.

NM_000143.4(FH):c.1231A>T (p.Met411Leu)

Gene: FH (fumarate hydratase; minus strand). Cytogenetic location: 1q43.
Variant type: single nucleotide variant.
Coding change: c.1231A>T on transcript NM_000143.4 (MANE Select); coding-DNA position 1231, A replaced by T.
Protein change: p.Met411Leu; replaces methionine 411 with leucine.
Molecular consequence: missense variant.
Genome position (GRCh38, 1-based): chr1:241,502,448, T>A on the plus strand (A>T on the coding strand, the complement: FH is on the minus strand). VCF-style: chr1-241502448-T-A. GRCh37 (hg19) VCF-style: chr1-241665748-T-A.
Other names: short protein forms M411L.
Identifiers: ClinVar variation 3230433 (VCV003230433.1), dbSNP rs201381362, ClinGen allele CA345437233.